The following is an entry in ClinVar:

NM_031418.4(ANO3):c.365A>G (p.Asp122Gly)

Gene: ANO3 (anoctamin 3; plus strand). Cytogenetic location: 11p14.2.
Variant type: single nucleotide variant.
Coding change: c.365A>G on transcript NM_031418.4 (MANE Select); coding-DNA position 365, A replaced by G.
Protein change: p.Asp122Gly; replaces aspartic acid 122 with glycine.
Molecular consequence: missense variant.
Genome position (GRCh38, 1-based): chr11:26,463,081, A>G. VCF-style: chr11-26463081-A-G. GRCh37 (hg19) VCF-style: chr11-26484628-A-G.
Other names: c.548A>G, p.Asp183Gly (NM_001313726.2); short protein forms D122G, D183G.
Identifiers: ClinVar variation 3704519 (VCV003704519.2).

ClinVar aggregate classification (germline): Uncertain significance (1 of 4 stars; one submission).

Conditions:
Dystonic disorder. Also called: Dystonia. Identifiers: MedGen C0013421, MONDO:0003441, HP:0001332.

gnomAD v4.1: 1 of 1,599,076 alleles (0.000063%); highest among the groups gnomAD compares: Non-Finnish European, 0.000085%; no homozygotes.

Submission:

Labcorp Genetics (formerly Invitae), Labcorp
Classification: Uncertain significance for Dystonic disorder. Last evaluated: 2025-01-20. Review status: criteria provided, single submitter. Criteria: Invitae Variant Classification Sherloc (09022015). Collection method: clinical testing. Allele origin: germline.
Comment: This sequence change replaces aspartic acid, which is acidic and polar, with glycine, which is neutral and non-polar, at codon 122 of the ANO3 protein (p.Asp122Gly). This variant is not present in population databases (gnomAD no frequency). This variant has not been reported in the literature in individuals affected with ANO3-related conditions. Invitae Evidence Modeling of protein sequence and biophysical properties (such as structural, functional, and spatial information, amino acid conservation, physicochemical variation, residue mobility, and thermodynamic stability) has been performed for this missense variant. However, the output from this modeling did not meet the statistical confidence thresholds required to predict the impact of this variant on ANO3 protein function. In summary, the available evidence is currently insufficient to determine the role of this variant in disease. Therefore, it has been classified as a Variant of Uncertain Significance.